The following is an entry in ClinVar:

ClinVar aggregate classification (germline): Benign/Likely benign. Review status: criteria provided, multiple submitters, no conflicts (2 of 4 stars). 2 submissions from 2 submitters: Benign (1); Likely benign (1). Last evaluated 2024-09-16.

Conditions:
Hereditary diffuse gastric adenocarcinoma (HDGC). Also called: DIFFUSE GASTRIC AND LOBULAR BREAST CANCER SYNDROME. Identifiers: Orphanet 26106, MedGen C1708349, MONDO:0007648, OMIM 137215.
Hereditary cancer-predisposing syndrome. Also called: Neoplastic Syndromes, Hereditary; Tumor predisposition; Hereditary neoplastic syndrome; Hereditary Cancer Syndrome. Identifiers: Orphanet 140162, MedGen C0027672, MeSH D009386, MONDO:0015356.

Submissions (2):

Myriad Genetics, Inc.
Classification: Benign for Hereditary diffuse gastric adenocarcinoma. Last evaluated: 2024-09-16. Review status: criteria provided, single submitter. Criteria: Myriad Autosomal Dominant, Autosomal Recessive and X-Linked Classification Criteria (2023). Collection method: clinical testing. Allele origin: unknown.
Comment: This variant is considered benign. This variant is a silent/synonymous amino acid change and it is not expected to impact splicing.

Ambry Genetics
Classification: Likely benign for Hereditary cancer-predisposing syndrome. Last evaluated: 2021-10-06. Review status: criteria provided, single submitter. Criteria: Ambry Variant Classification Scheme 2023. Collection method: clinical testing. Allele origin: germline.

NM_004360.5(CDH1):c.777G>A (p.Lys259=)

Gene: CDH1 (cadherin 1; plus strand). Cytogenetic location: 16q22.1.
Variant type: single nucleotide variant.
Coding change: c.777G>A on transcript NM_004360.5 (MANE Select); coding-DNA position 777, G replaced by A.
Protein change: p.Lys259=; no amino-acid change (lysine 259 retained).
Molecular consequence: synonymous variant. On other transcripts: 5 prime UTR variant (2).
Genome position (GRCh38, 1-based): chr16:68,810,286, G>A. VCF-style: chr16-68810286-G-A. GRCh37 (hg19) VCF-style: chr16-68844189-G-A.
Other names: c.777G>A, p.Lys259= (NM_001317184.2); c.-839G>A (NM_001317185.2); c.-1043G>A (NM_001317186.2).
Identifiers: ClinVar variation 1760593 (VCV001760593.3), dbSNP rs2152131116, ClinGen allele CA496152801.